The following is an entry in ClinVar:

NM_078480.3(PUF60):c.448G>C (p.Ala150Pro)

Gene: PUF60 (poly(U) binding splicing factor 60; minus strand). Cytogenetic location: 8q24.3.
Variant type: single nucleotide variant.
Coding change: c.448G>C on transcript NM_078480.3 (MANE Select); coding-DNA position 448, G replaced by C.
Protein change: p.Ala150Pro; replaces alanine 150 with proline.
Molecular consequence: missense variant.
Genome position (GRCh38, 1-based): chr8:143,818,435, C>G on the plus strand (G>C on the coding strand, the complement: PUF60 is on the minus strand). VCF-style: chr8-143818435-C-G. GRCh37 (hg19) VCF-style: chr8-144900605-C-G.
Other names: c.319G>C, p.Ala107Pro (NM_001136033.3); c.394G>C, p.Ala132Pro (NM_001271096.2); c.310G>C, p.Ala104Pro (NM_001271097.2); c.445G>C, p.Ala149Pro (NM_001271098.2); c.361G>C, p.Ala121Pro (NM_001271099.2); c.268G>C, p.Ala90Pro (NM_001271100.2); c.559G>C, p.Ala187Pro (NM_001362895.2, NM_001362896.2); c.508G>C, p.Ala170Pro (NM_001362897.2); and 1 more; short protein forms A104P, A107P, A121P, A132P, A133P, A149P, A150P, A170P.
Identifiers: ClinVar variation 1697048 (VCV001697048.2), dbSNP rs1816627238, ClinGen allele CA372493285.

ClinVar aggregate classification (germline): Uncertain significance (1 of 4 stars; one submission).

Submission:

GeneDx
Classification: Uncertain significance. Last evaluated: 2022-01-17. Review status: criteria provided, single submitter. Criteria: GeneDx Variant Classification Process June 2021. Collection method: clinical testing. Allele origin: germline. Affected: yes.
Comment: Not observed at significant frequency in large population cohorts (gnomAD); In silico analysis supports that this missense variant does not alter protein structure/function; Has not been previously published as pathogenic or benign to our knowledge